The following is an entry in ClinVar:

ClinVar aggregate classification (germline): Uncertain significance (1 of 4 stars; one submission).

Conditions:
Senior-Loken syndrome 7 (SLSN7). Identifiers: Orphanet 3156, MedGen C3150877, MONDO:0013326, OMIM 613615.
Bardet-Biedl syndrome 16 (BBS16). Identifiers: Orphanet 110, MedGen C3889474, MONDO:0014444, OMIM 615993.

gnomAD v4.1: 1 of 1,614,064 alleles (0.000062%); highest among the groups gnomAD compares: Non-Finnish European, 0.000085%; no homozygotes.

Submission:

Labcorp Genetics (formerly Invitae), Labcorp
Classification: Uncertain significance for Bardet-Biedl syndrome 16; Senior-Loken syndrome 7. Last evaluated: 2022-10-17. Review status: criteria provided, single submitter. Criteria: Invitae Variant Classification Sherloc (09022015). Collection method: clinical testing. Allele origin: germline.
Comment: This sequence change replaces glutamic acid, which is acidic and polar, with alanine, which is neutral and non-polar, at codon 474 of the SDCCAG8 protein (p.Glu474Ala). This variant is not present in population databases (gnomAD no frequency). This variant has not been reported in the literature in individuals affected with SDCCAG8-related conditions. Advanced modeling of protein sequence and biophysical properties (such as structural, functional, and spatial information, amino acid conservation, physicochemical variation, residue mobility, and thermodynamic stability) performed at Invitae indicates that this missense variant is not expected to disrupt SDCCAG8 protein function. In summary, the available evidence is currently insufficient to determine the role of this variant in disease. Therefore, it has been classified as a Variant of Uncertain Significance.

NM_006642.5(SDCCAG8):c.1421A>C (p.Glu474Ala)

Gene: SDCCAG8 (SHH signaling and ciliogenesis regulator SDCCAG8; plus strand). Cytogenetic location: 1q43.
Variant type: single nucleotide variant.
Coding change: c.1421A>C on transcript NM_006642.5 (MANE Select); coding-DNA position 1421, A replaced by C.
Protein change: p.Glu474Ala; replaces glutamic acid 474 with alanine.
Molecular consequence: missense variant.
Genome position (GRCh38, 1-based): chr1:243,344,279, A>C. VCF-style: chr1-243344279-A-C. GRCh37 (hg19) VCF-style: chr1-243507581-A-C.
Other names: c.518A>C, p.Glu173Ala (NM_001350246.2, NM_001350247.2, NM_001350251.2); c.1517A>C, p.Glu506Ala (NM_001350248.2); c.1127A>C, p.Glu376Ala (NM_001350249.2); short protein forms E506A, E376A, E173A, E474A.
Identifiers: ClinVar variation 2122201 (VCV002122201.4), dbSNP rs2528047889, ClinGen allele CA345475943.